The following is an entry in ClinVar:

NM_004369.4(COL6A3):c.3645G>T (p.Arg1215Ser)

Gene: COL6A3 (collagen type VI alpha 3 chain; minus strand). Cytogenetic location: 2q37.3.
Variant type: single nucleotide variant.
Coding change: c.3645G>T on transcript NM_004369.4 (MANE Select); coding-DNA position 3645, G replaced by T.
Protein change: p.Arg1215Ser; replaces arginine 1215 with serine.
Molecular consequence: missense variant.
Genome position (GRCh38, 1-based): chr2:237,374,446, C>A on the plus strand (G>T on the coding strand, the complement: COL6A3 is on the minus strand). VCF-style: chr2-237374446-C-A. GRCh37 (hg19) VCF-style: chr2-238283089-C-A.
Other names: c.2424G>T, p.Arg808Ser (NM_057164.5); c.3027G>T, p.Arg1009Ser (NM_057165.5, NM_057167.4); c.1824G>T, p.Arg608Ser (NM_057166.5); short protein forms R1009S, R808S, R1215S, R608S.
Identifiers: ClinVar variation 3635285 (VCV003635285.2).

ClinVar aggregate classification (germline): Uncertain significance (1 of 4 stars; one submission).

Conditions:
Bethlem myopathy 1A. Also called: Bethlem myopathy 1; MYOPATHY, BENIGN CONGENITAL, WITH CONTRACTURES; Bethlem Muscular Dystrophy. Identifiers: Orphanet 610, MedGen CN029274, MONDO:0024530, OMIM 158810.

gnomAD v4.1: 15 of 1,613,412 alleles (0.00093%); highest among the groups gnomAD compares: Non-Finnish European, 0.0013%; no homozygotes.

Submission:

Labcorp Genetics (formerly Invitae), Labcorp
Classification: Uncertain significance for Bethlem myopathy 1A. Last evaluated: 2024-11-27. Review status: criteria provided, single submitter. Criteria: Invitae Variant Classification Sherloc (09022015). Collection method: clinical testing. Allele origin: germline.
Comment: This sequence change replaces arginine, which is basic and polar, with serine, which is neutral and polar, at codon 1215 of the COL6A3 protein (p.Arg1215Ser). This variant is present in population databases (no rsID available, gnomAD 0.007%). This variant has not been reported in the literature in individuals affected with COL6A3-related conditions. Invitae Evidence Modeling of protein sequence and biophysical properties (such as structural, functional, and spatial information, amino acid conservation, physicochemical variation, residue mobility, and thermodynamic stability) indicates that this missense variant is not expected to disrupt COL6A3 protein function with a negative predictive value of 95%. In summary, the available evidence is currently insufficient to determine the role of this variant in disease. Therefore, it has been classified as a Variant of Uncertain Significance.